The following is an entry in ClinVar:

NM_004168.4(SDHA):c.1692G>A (p.Glu564=)

Gene: SDHA (succinate dehydrogenase complex flavoprotein subunit A; plus strand). Cytogenetic location: 5p15.33.
Variant type: single nucleotide variant.
Coding change: c.1692G>A on transcript NM_004168.4 (MANE Select); coding-DNA position 1692, G replaced by A.
Protein change: p.Glu564=; no amino-acid change (glutamic acid 564 retained).
Molecular consequence: synonymous variant. On other transcripts: intron variant (1).
Genome position (GRCh38, 1-based): chr5:251,366, G>A. VCF-style: chr5-251366-G-A. GRCh37 (hg19) VCF-style: chr5-251481-G-A.
Other names: c.1548G>A, p.Glu516= (NM_001294332.2); c.1552-3027G>A (NM_001330758.2).
Identifiers: ClinVar variation 772745 (VCV000772745.14), dbSNP rs368388954, ClinGen allele CA3173336.

ClinVar aggregate classification (germline): Benign/Likely benign. Review status: criteria provided, multiple submitters, no conflicts (2 of 4 stars). 3 submissions from 3 submitters: Benign (1); Likely benign (2). Last evaluated 2025-12-22.

Conditions:
Hereditary cancer-predisposing syndrome. Also called: Tumor predisposition; Hereditary neoplastic syndrome; Neoplastic Syndromes, Hereditary; Hereditary Cancer Syndrome. Identifiers: Orphanet 140162, MedGen C0027672, MeSH D009386, MONDO:0015356.
Pheochromocytoma/paraganglioma syndrome 5. Also called: Paragangliomas 5; SDHA-Related Hereditary Paraganglioma-Pheochromocytoma Syndrome. Identifiers: Orphanet 29072, MedGen C3279992, MONDO:0013602, OMIM 614165.
Mitochondrial complex II deficiency, nuclear type 1. Also called: SUCCINATE CoQ REDUCTASE DEFICIENCY. Identifiers: Orphanet 3208, MedGen C5700310, MONDO:0100294, OMIM 252011.

Allele frequency attached by ClinVar (database versions not stated): gnomAD exomes below 0.00001; ExAC 0.00001; ESP Exome Variant Server 0.00008.
gnomAD v4.1: 5 of 1,613,722 alleles (0.00031%); highest among the groups gnomAD compares: Non-Finnish European, 0.00034%; no homozygotes.

Submissions (3):

Labcorp Genetics (formerly Invitae), Labcorp
Classification: Likely benign for Pheochromocytoma/paraganglioma syndrome 5; Mitochondrial complex II deficiency, nuclear type 1. Last evaluated: 2025-12-22. Review status: criteria provided, single submitter. Criteria: Invitae Variant Classification Sherloc (09022015). Collection method: clinical testing. Allele origin: germline.

Myriad Genetics, Inc.
Classification: Benign for Pheochromocytoma/paraganglioma syndrome 5. Last evaluated: 2025-03-11. Review status: criteria provided, single submitter. Criteria: Myriad Autosomal Dominant, Autosomal Recessive and X-Linked Classification Criteria (2023). Collection method: clinical testing. Allele origin: unknown.
Comment: This variant is considered benign. This variant is a silent/synonymous amino acid change and it is not expected to impact splicing.

Ambry Genetics
Classification: Likely benign for Hereditary cancer-predisposing syndrome. Last evaluated: 2021-07-06. Review status: criteria provided, single submitter. Criteria: Ambry Variant Classification Scheme 2023. Collection method: clinical testing. Allele origin: germline.